The following is an entry in ClinVar:

NM_015656.2(KIF26A):c.3634C>T (p.Arg1212Trp)

Gene: KIF26A (kinesin family member 26A; plus strand). Cytogenetic location: 14q32.33.
Variant type: single nucleotide variant.
Coding change: c.3634C>T on transcript NM_015656.2 (MANE Select); coding-DNA position 3634, C replaced by T.
Protein change: p.Arg1212Trp; replaces arginine 1212 with tryptophan.
Molecular consequence: missense variant.
Genome position (GRCh38, 1-based): chr14:104,176,422, C>T. VCF-style: chr14-104176422-C-T. GRCh37 (hg19) VCF-style: chr14-104642759-C-T.
Other names: short protein forms R1212W.
Identifiers: ClinVar variation 3114746 (VCV003114746.2), dbSNP rs200700317, ClinGen allele CA7371071.

ClinVar aggregate classification (germline): Uncertain significance. Review status: criteria provided, multiple submitters, no conflicts (2 of 4 stars). 2 submissions from 2 submitters: Uncertain significance (2). Last evaluated 2025-03-12.

Allele frequency attached by ClinVar (database versions not stated): gnomAD 0.00023; ExAC 0.00026; TOPMed 0.00027; gnomAD exomes 0.00036; ESP Exome Variant Server 0.00041.
gnomAD v4.1: 554 of 1,594,404 alleles (0.035%); highest among the groups gnomAD compares: Middle Eastern, 0.05%; 2 homozygotes.

Submissions (2):

GeneDx
Classification: Uncertain significance. Last evaluated: 2025-03-12. Review status: criteria provided, single submitter. Criteria: GeneDx Variant Classification Process June 2021. Collection method: clinical testing. Allele origin: germline. Affected: yes.
Comment: In silico analysis supports that this missense variant has a deleterious effect on protein structure/function; Has not been previously published as pathogenic or benign to our knowledge

Ambry Genetics
Classification: Uncertain significance. Last evaluated: 2023-12-26. Review status: criteria provided, single submitter. Criteria: Ambry Variant Classification Scheme 2023. Collection method: clinical testing. Allele origin: germline.